The following is an entry in ClinVar:

ClinVar aggregate classification (germline): Uncertain significance. Review status: criteria provided, multiple submitters, no conflicts (2 of 4 stars). 2 submissions from 2 submitters: Uncertain significance (2). Last evaluated 2022-03-06.

Conditions:
Microcephaly, normal intelligence and immunodeficiency (NBS). Also called: BERLIN BREAKAGE SYNDROME; Immunodeficiency, microcephaly with normal intelligence; Ataxia telangiectasia variant V1; SEEMANOVA SYNDROME II; Nijmegen breakage syndrome; Microcephaly with normal intelligence immunodeficiency and lymphoreticular malignancies. Identifiers: Orphanet 647, MedGen C0398791, MONDO:0009623, OMIM 251260.
Hereditary cancer-predisposing syndrome. Also called: Tumor predisposition; Hereditary neoplastic syndrome; Neoplastic Syndromes, Hereditary; Hereditary Cancer Syndrome. Identifiers: Orphanet 140162, MedGen C0027672, MeSH D009386, MONDO:0015356.

Submissions (2):

Labcorp Genetics (formerly Invitae), Labcorp
Classification: Uncertain significance for Microcephaly, normal intelligence and immunodeficiency. Last evaluated: 2022-03-06. Review status: criteria provided, single submitter. Criteria: Invitae Variant Classification Sherloc (09022015). Collection method: clinical testing. Allele origin: germline.
Comment: This sequence change falls in intron 13 of the NBN gene. It does not directly change the encoded amino acid sequence of the NBN protein. It affects a nucleotide within the consensus splice site. This variant is not present in population databases (gnomAD no frequency). This variant has not been reported in the literature in individuals affected with NBN-related conditions. ClinVar contains an entry for this variant (Variation ID: 940654). Variants that disrupt the consensus splice site are a relatively common cause of aberrant splicing (PMID: 17576681, 9536098). Algorithms developed to predict the effect of sequence changes on RNA splicing suggest that this variant is not likely to affect RNA splicing. In summary, the available evidence is currently insufficient to determine the role of this variant in disease. Therefore, it has been classified as a Variant of Uncertain Significance.

Ambry Genetics
Classification: Uncertain significance for Hereditary cancer-predisposing syndrome. Last evaluated: 2022-01-19. Review status: criteria provided, single submitter. Criteria: Ambry Variant Classification Scheme 2023. Collection method: clinical testing. Allele origin: germline.
Comment: The c.2070+3A>G intronic alteration consists of a A to G substitution nucleotides after coding exon 13 in the NBN gene. Based on insufficient or conflicting evidence, the clinical significance of this alteration remains unclear.

Literature cited by the submitters: PubMed 17576681 (cited by Labcorp Genetics (formerly Invitae), Labcorp); PubMed 9536098 (cited by Labcorp Genetics (formerly Invitae), Labcorp).

NM_002485.5(NBN):c.2070+3A>G

Gene: NBN (nibrin; minus strand). Cytogenetic location: 8q21.3.
Variant type: single nucleotide variant.
Coding change: c.2070+3A>G on transcript NM_002485.5 (MANE Select); 3 bases into the intron after coding-DNA position 2070, A replaced by G.
Molecular consequence: intron variant.
Genome position (GRCh38, 1-based): chr8:89,946,137, T>C on the plus strand (A>G on the coding strand, the complement: NBN is on the minus strand). VCF-style: chr8-89946137-T-C. GRCh37 (hg19) VCF-style: chr8-90958365-T-C.
Other names: c.1824+3A>G (NM_001024688.3).
Identifiers: ClinVar variation 940654 (VCV000940654.5), dbSNP rs1810173321, ClinGen allele CA1139660634.
Genomic context (GRCh38, chr8:89,946,137, plus strand): 5'-ATCACTGGTATCTCTAAAAACATTTCAAACACTGACCTCTTGTGATACAGTTGAAATACC[T>C]ACCTTTTTGAATTTCTTGAAATTTTTTAGTTGACCATAATCATCATTTATGCCAGATGGA-3'